The following is an entry in ClinVar:

ClinVar aggregate classification (germline): Uncertain significance (1 of 4 stars; one submission).

Conditions:
Symmetrical dyschromatosis of extremities (DSH). Also called: DYSCHROMATOSIS SYMMETRICA HEREDITARIA 1; RETICULATE ACROPIGMENTATION OF DOHI; SYMMETRIC DYSCHROMATOSIS OF THE EXTREMITIES; Dyschromatosis symmetrica hereditaria. Identifiers: Orphanet 41, MedGen C0406775, MONDO:0007483, OMIM 127400.
Aicardi-Goutieres syndrome 6 (AGS6). Identifiers: Orphanet 51, MedGen C3539013, MONDO:0014007, OMIM 615010.

Allele frequency attached by ClinVar (database versions not stated): gnomAD 0.00001; gnomAD exomes 0.00002.

Submission:

Labcorp Genetics (formerly Invitae), Labcorp
Classification: Uncertain significance for Aicardi-Goutieres syndrome 6; Symmetrical dyschromatosis of extremities. Last evaluated: 2023-09-19. Review status: criteria provided, single submitter. Criteria: Invitae Variant Classification Sherloc (09022015). Collection method: clinical testing. Allele origin: germline.
Comment: In summary, the available evidence is currently insufficient to determine the role of this variant in disease. Therefore, it has been classified as a Variant of Uncertain Significance. This sequence change replaces serine, which is neutral and polar, with arginine, which is basic and polar, at codon 217 of the ADAR protein (p.Ser217Arg). This variant is present in population databases (no rsID available, gnomAD 0.01%). This variant has not been reported in the literature in individuals affected with ADAR-related conditions. Algorithms developed to predict the effect of missense changes on protein structure and function output the following: SIFT: "Not Available"; PolyPhen-2: "Not Available"; Align-GVGD: "Not Available". The arginine amino acid residue is found in multiple mammalian species, which suggests that this missense change does not adversely affect protein function.

NM_001111.5(ADAR):c.651C>G (p.Ser217Arg)

Gene: ADAR (adenosine deaminase RNA specific; minus strand). Cytogenetic location: 1q21.3.
Variant type: single nucleotide variant.
Coding change: c.651C>G on transcript NM_001111.5 (MANE Select); coding-DNA position 651, C replaced by G.
Protein change: p.Ser217Arg; replaces serine 217 with arginine.
Molecular consequence: missense variant. On other transcripts: 5 prime UTR variant (6).
Genome position (GRCh38, 1-based): chr1:154,601,991, G>C on the plus strand (C>G on the coding strand, the complement: ADAR is on the minus strand). VCF-style: chr1-154601991-G-C. GRCh37 (hg19) VCF-style: chr1-154574467-G-C.
Other names: c.-235C>G (NM_001025107.3, NM_001193495.2, NM_001365046.1 and 3 more transcripts); c.678C>G, p.Ser226Arg (NM_001365045.1); c.651C>G, p.Ser217Arg (NM_015840.4, NM_015841.4); short protein forms S226R, S217R.
Identifiers: ClinVar variation 2935210 (VCV002935210.3), dbSNP rs1238506287, ClinGen allele CA342600610.